The following is an entry in ClinVar:

ClinVar aggregate classification (germline): Conflicting classifications of pathogenicity. Review status: criteria provided, conflicting classifications (1 of 4 stars). 2 submissions from 2 submitters: Uncertain significance (1); Likely benign (1). Last evaluated 2025-11-17.

Conditions:
Long QT syndrome (LQTS). Identifiers: MedGen C0023976, MeSH D008133, MONDO:0002442. Disease mechanism: loss of function. Inheritance: Various modes of inheritance.
Cardiovascular phenotype. Identifiers: MedGen CN230736.

Allele frequency attached by ClinVar (database versions not stated): gnomAD exomes below 0.00001; TOPMed below 0.00001; gnomAD 0.00001.
gnomAD v4.1: 6 of 1,613,962 alleles (0.00037%); highest among the groups gnomAD compares: Non-Finnish European, 0.00051%; no homozygotes.

Submissions (2):

Labcorp Genetics (formerly Invitae), Labcorp
Classification: Uncertain significance for Long QT syndrome. Last evaluated: 2025-11-17. Review status: criteria provided, single submitter. Criteria: Invitae Variant Classification Sherloc (09022015). Collection method: clinical testing. Allele origin: germline.
Comment: This sequence change replaces lysine, which is basic and polar, with glutamine, which is neutral and polar, at codon 2737 of the ANK2 protein (p.Lys2737Gln). This variant is present in population databases (no rsID available, gnomAD 0.003%). This variant has not been reported in the literature in individuals affected with ANK2-related conditions. ClinVar contains an entry for this variant (Variation ID: 1762456). An algorithm developed to predict the effect of missense changes on protein structure and function (PolyPhen-2) suggests that this variant is likely to be tolerated. In summary, the available evidence is currently insufficient to determine the role of this variant in disease. Therefore, it has been classified as a Variant of Uncertain Significance.

Ambry Genetics
Classification: Likely benign for Cardiovascular phenotype. Last evaluated: 2021-04-14. Review status: criteria provided, single submitter. Criteria: Ambry Variant Classification Scheme 2023. Collection method: clinical testing. Allele origin: germline.

NM_001148.6(ANK2):c.8209A>C (p.Lys2737Gln)

Gene: ANK2 (ankyrin 2; plus strand). Cytogenetic location: 4q26.
Variant type: single nucleotide variant.
Coding change: c.8209A>C on transcript NM_001148.6 (MANE Select); coding-DNA position 8209, A replaced by C.
Protein change: p.Lys2737Gln; replaces lysine 2737 with glutamine.
Molecular consequence: missense variant. On other transcripts: intron variant (68).
Genome position (GRCh38, 1-based): chr4:113,356,827, A>C. VCF-style: chr4-113356827-A-C. GRCh37 (hg19) VCF-style: chr4-114277983-A-C.
Other names: c.7975A>C, p.Lys2659Gln (NM_001386142.1); c.4609A>C, p.Lys1537Gln (NM_001386166.1); c.8350A>C, p.Lys2784Gln (NM_001386174.1); c.8326A>C, p.Lys2776Gln (NM_001386175.1); c.4412-3996A>C (NM_001386186.2, NM_001386148.2); c.4214-3996A>C (NM_001354269.3); c.4292-3996A>C (NM_001386187.2); c.4253-3996A>C (NM_001386147.1); and 35 more; short protein forms K2776Q, K2784Q, K1537Q, K2737Q, K2659Q.
Identifiers: ClinVar variation 1762456 (VCV001762456.3), dbSNP rs1419902437, ClinGen allele CA357933469.
Genomic context (GRCh38, chr4:113,356,827, plus strand): 5'-CAATATACTTTCAAGATGAATGAAGATACTCAGGAAGAGCCAGGCAAATCAGAAGAAGAA[A>C]AAGATTCTGAATCCCATTTAGCTGAAGACCGTCATGCTGTTTCCACTGAGGCTGAAGACA-3'
Protein context (NP_001139.3, residues 2727-2747): QEEPGKSEEE[Lys2737Gln]DSESHLAEDR